The following is an entry in ClinVar:

ClinVar aggregate classification (germline): Uncertain significance (1 of 4 stars; one submission).

Submission:

Labcorp Genetics (formerly Invitae), Labcorp
Classification: Uncertain significance. Last evaluated: 2021-12-24. Review status: criteria provided, single submitter. Criteria: Invitae Variant Classification Sherloc (09022015). Collection method: clinical testing. Allele origin: germline.
Comment: This sequence change replaces tryptophan, which is neutral and slightly polar, with cysteine, which is neutral and slightly polar, at codon 628 of the ZSWIM6 protein (p.Trp628Cys). This variant is not present in population databases (gnomAD no frequency). This variant has not been reported in the literature in individuals affected with ZSWIM6-related conditions. Algorithms developed to predict the effect of missense changes on protein structure and function are either unavailable or do not agree on the potential impact of this missense change (SIFT: "Tolerated"; PolyPhen-2: "Probably Damaging"; Align-GVGD: "Class C0"). In summary, the available evidence is currently insufficient to determine the role of this variant in disease. Therefore, it has been classified as a Variant of Uncertain Significance.

NM_020928.2(ZSWIM6):c.1884G>C (p.Trp628Cys)

Gene: ZSWIM6 (zinc finger SWIM-type containing 6; plus strand). Cytogenetic location: 5q12.1.
Variant type: single nucleotide variant.
Coding change: c.1884G>C on transcript NM_020928.2 (MANE Select); coding-DNA position 1884, G replaced by C.
Protein change: p.Trp628Cys; replaces tryptophan 628 with cysteine.
Molecular consequence: missense variant.
Genome position (GRCh38, 1-based): chr5:61,530,098, G>C. VCF-style: chr5-61530098-G-C. GRCh37 (hg19) VCF-style: chr5-60825925-G-C.
Other names: short protein forms W628C.
Identifiers: ClinVar variation 2057605 (VCV002057605.4), dbSNP rs183803114, ClinGen allele CA359944089.
Genomic context (GRCh38, chr5:61,530,098, plus strand): 5'-CTTTCCTTACACAGAGCTACCCCATAAAAACATAACCTCGATAACCAATCTGGAGGGCTG[G>C]GTTGGACATCCCCTGGACCCTGTGGGCACTCTCTTCAGTAGCCTTATGGAAGCCTGCCGC-3'
Protein context (NP_065979.1, residues 618-638): NITSITNLEG[Trp628Cys]VGHPLDPVGT